The following is an entry in ClinVar:

ClinVar aggregate classification (germline): Likely benign (1 of 4 stars; one submission).

Allele frequency attached by ClinVar (database versions not stated): TOPMed 0.00002.
gnomAD v4.1: 14 of 985,328 alleles (0.0014%); highest among the groups gnomAD compares: Non-Finnish European, 0.0014%; no homozygotes.

Submission:

GeneDx
Classification: Likely benign. Last evaluated: 2018-02-08. Review status: criteria provided, single submitter. Criteria: GeneDx Variant Classification (06012015). Collection method: clinical testing. Allele origin: germline. Affected: yes.
Comment: This variant is considered likely benign or benign based on one or more of the following criteria: it is a conservative change, it occurs at a poorly conserved position in the protein, it is predicted to be benign by multiple in silico algorithms, and/or has population frequency not consistent with disease.

NM_002471.4(MYH6):c.-54C>A

Genes: MYH6 (myosin heavy chain 6; minus strand), LOC114827851 (VISTA enhancer hs2155; plus strand). Cytogenetic location: 14q11.2.
Variant type: single nucleotide variant.
Coding change: c.-54C>A on transcript NM_002471.4 (MANE Select); 54 bases upstream of the start codon, C replaced by A.
Molecular consequence: 5 prime UTR variant.
Genome position (GRCh38, 1-based): chr14:23,408,260, G>T on the plus strand (C>A on the coding strand, the complement: MYH6 is on the minus strand). VCF-style: chr14-23408260-G-T. GRCh37 (hg19) VCF-style: chr14-23877469-G-T.
Identifiers: ClinVar variation 515379 (VCV000515379.1), dbSNP rs993021475, ClinGen allele CA257801193.